The following is an entry in ClinVar:

ClinVar aggregate classification (germline): Pathogenic/Likely pathogenic. Review status: criteria provided, multiple submitters, no conflicts (2 of 4 stars). 3 submissions from 3 submitters: Pathogenic (1); Likely pathogenic (2). Last evaluated 2025-06-11.

Conditions:
Developmental and epileptic encephalopathy, 42 (DEE42A). Also called: Epileptic encephalopathy, early infantile, 42; DEVELOPMENTAL AND EPILEPTIC ENCEPHALOPATHY 42A; EPILEPTIC ENCEPHALOPATHY, EARLY INFANTILE, 42A. Identifiers: MedGen C4310716, MONDO:0014917, OMIM 617106.
Episodic ataxia type 2 (EA2). Also called: ATAXIA, EPISODIC, WITH NYSTAGMUS; ATAXIA, FAMILIAL PAROXYSMAL; CEREBELLAR ATAXIA, PAROXYSMAL, ACETAZOLAMIDE-RESPONSIVE; CEREBELLOPATHY, HEREDITARY PAROXYSMAL; EPISODIC ATAXIA, NYSTAGMUS-ASSOCIATED; ACETAZOLAMIDE-RESPONSIVE HEREDITARY PAROXYSMAL CEREBELLAR ATAXIA. Identifiers: Orphanet 97, MedGen C1720416, MONDO:0007163, OMIM 108500.

Submissions (3):

GeneDx
Classification: Pathogenic. Last evaluated: 2025-06-11. Review status: criteria provided, single submitter. Criteria: GeneDx Variant Classification Process June 2021. Collection method: clinical testing. Allele origin: germline. Affected: yes.
Comment: Not observed at significant frequency in large population cohorts (gnomAD); In silico analysis supports that this missense variant has a deleterious effect on protein structure/function; This variant is associated with the following publications: (PMID: 36619507)

Labcorp Genetics (formerly Invitae), Labcorp
Classification: Likely pathogenic for Developmental and epileptic encephalopathy, 42; Episodic ataxia type 2. Last evaluated: 2024-03-10. Review status: criteria provided, single submitter. Criteria: Invitae Variant Classification Sherloc (09022015). Collection method: clinical testing. Allele origin: germline.
Comment: This sequence change replaces valine, which is neutral and non-polar, with alanine, which is neutral and non-polar, at codon 1393 of the CACNA1A protein (p.Val1393Ala). This variant is not present in population databases (gnomAD no frequency). This variant has not been reported in the literature in individuals affected with CACNA1A-related conditions. ClinVar contains an entry for this variant (Variation ID: 1522436). Advanced modeling of protein sequence and biophysical properties (such as structural, functional, and spatial information, amino acid conservation, physicochemical variation, residue mobility, and thermodynamic stability) performed at Invitae indicates that this missense variant is expected to disrupt CACNA1A protein function with a positive predictive value of 95%. This variant disrupts the p.Val1393 amino acid residue in CACNA1A. Other variant(s) that disrupt this residue have been determined to be pathogenic (PMID: 28007337, 30283815, 31468518). This suggests that this residue is clinically significant, and that variants that disrupt this residue are likely to be disease-causing. In summary, the currently available evidence indicates that the variant is pathogenic, but additional data are needed to prove that conclusively. Therefore, this variant has been classified as Likely Pathogenic.

Diagnostic Genetics, Severance Hospital, Yonsei University College of Medicine
Classification: Likely pathogenic for Developmental and epileptic encephalopathy, 42. Last evaluated: 2022-02-03. Review status: criteria provided, single submitter. Criteria: ACMG Guidelines, 2015. Collection method: clinical testing. Allele origin: de novo. Affected: yes.

Literature cited by the submitters: PubMed 28007337 (cited by Labcorp Genetics (formerly Invitae), Labcorp); PubMed 30283815 (cited by Labcorp Genetics (formerly Invitae), Labcorp); PubMed 31468518 (cited by Labcorp Genetics (formerly Invitae), Labcorp).

NM_001127222.2(CACNA1A):c.4175T>C (p.Val1392Ala)

Genes: CACNA1A (calcium voltage-gated channel subunit alpha1 A; minus strand), LOC126862864 (MED14-independent group 3 enhancer GRCh37_chr19:13371552-13372751; plus strand). Cytogenetic location: 19p13.13.
Variant type: single nucleotide variant.
Coding change: c.4175T>C on transcript NM_001127222.2 (MANE Select); coding-DNA position 4175, T replaced by C.
Protein change: p.Val1392Ala; replaces valine 1392 with alanine.
Molecular consequence: missense variant.
Genome position (GRCh38, 1-based): chr19:13,261,525, A>G on the plus strand (T>C on the coding strand, the complement: CACNA1A is on the minus strand). VCF-style: chr19-13261525-A-G. GRCh37 (hg19) VCF-style: chr19-13372339-A-G.
Other names: c.4187T>C, p.Val1396Ala (NM_000068.4, NM_023035.3); c.4178T>C, p.Val1393Ala (NM_001127221.2, NM_001174080.2); short protein forms V1393A, V1392A, V1396A.
Identifiers: ClinVar variation 1522436 (VCV001522436.10), dbSNP rs2144767386, ClinGen allele CA404339699.